The following is an entry in ClinVar:

ClinVar aggregate classification (germline): Likely pathogenic (1 of 4 stars; one submission).

Submission:

GeneDx
Classification: Likely pathogenic. Last evaluated: 2025-02-14. Review status: criteria provided, single submitter. Criteria: GeneDx Variant Classification Process June 2021. Collection method: clinical testing. Allele origin: germline.
Comment: Frameshift variant predicted to result in protein truncation or nonsense mediated decay in a gene for which loss of function is a known mechanism of disease; Not observed at significant frequency in large population cohorts (gnomAD); Has not been previously published as pathogenic or benign to our knowledge

NM_001134407.3(GRIN2A):c.880dup (p.Asp294fs)

Gene: GRIN2A (glutamate ionotropic receptor NMDA type subunit 2A; minus strand). Cytogenetic location: 16p13.2.
Variant type: Duplication.
Coding change: c.880dup on transcript NM_001134407.3 (MANE Select); coding-DNA position 880, one base duplicated (G; older notation c.880dupG).
Protein change: p.Asp294fs; shifts the reading frame from aspartic acid 294.
Molecular consequence: frameshift variant.
Genome position (GRCh38, 1-based): chr16:9,938,086, C duplicated on the plus strand (G on the coding strand, the reverse complement: GRIN2A is on the minus strand); the first of 3 consecutive C bases (chr16:9,938,086-9,938,088); duplicating any one gives the same sequence. VCF-style (leftmost placement, unchanged base first): chr16-9938085-T-TC. GRCh37 (hg19) VCF-style: chr16-10031942-T-TC.
Other names: c.880dup, p.Asp294fs (NM_000833.5, NM_001134408.2); short protein forms D294fs.
Identifiers: ClinVar variation 3253266 (VCV003253266.2), dbSNP rs2543140344.